The following is an entry in ClinVar:

NM_002468.5(MYD88):c.434C>T (p.Ala145Val)

Gene: MYD88 (MYD88 innate immune signal transduction adaptor; plus strand). Cytogenetic location: 3p22.2.
Variant type: single nucleotide variant.
Coding change: c.434C>T on transcript NM_002468.5 (MANE Select); coding-DNA position 434, C replaced by T.
Protein change: p.Ala145Val; replaces alanine 145 with valine.
Molecular consequence: missense variant. On other transcripts: intron variant (3).
Genome position (GRCh38, 1-based): chr3:38,139,969, C>T. VCF-style: chr3-38139969-C-T. GRCh37 (hg19) VCF-style: chr3-38181460-C-T.
Other names: c.434C>T, p.Ala145Val (NM_001172567.2, NM_001172569.3, NM_001365876.1 and 1 more transcripts); c.329-419C>T (NM_001172568.2, NM_001365877.1); c.329-788C>T (NM_001172566.2); short protein forms A145V, A158V.
Identifiers: ClinVar variation 2168546 (VCV002168546.1), dbSNP rs1216607510, ClinGen allele CA352130726.

ClinVar aggregate classification (germline): Uncertain significance (1 of 4 stars; one submission).

Conditions:
Pyogenic bacterial infections due to MyD88 deficiency (IMD68). Also called: PYOGENIC BACTERIAL INFECTIONS, RECURRENT, DUE TO MYD88 DEFICIENCY. Identifiers: Orphanet 183713, MedGen C2677092, MONDO:0012839, OMIM 612260.

Submission:

Labcorp Genetics (formerly Invitae), Labcorp
Classification: Uncertain significance for Pyogenic bacterial infections due to MyD88 deficiency. Last evaluated: 2022-10-24. Review status: criteria provided, single submitter. Criteria: Invitae Variant Classification Sherloc (09022015). Collection method: clinical testing. Allele origin: germline.
Comment: This sequence change replaces alanine, which is neutral and non-polar, with valine, which is neutral and non-polar, at codon 158 of the MYD88 protein (p.Ala158Val). This variant is not present in population databases (gnomAD no frequency). This variant has not been reported in the literature in individuals affected with MYD88-related conditions. Algorithms developed to predict the effect of missense changes on protein structure and function (SIFT, PolyPhen-2, Align-GVGD) all suggest that this variant is likely to be tolerated. Algorithms developed to predict the effect of sequence changes on RNA splicing suggest that this variant may create or strengthen a splice site. In summary, the available evidence is currently insufficient to determine the role of this variant in disease. Therefore, it has been classified as a Variant of Uncertain Significance.